The following is an entry in ClinVar:

NM_080424.4(SP110):c.1261C>T (p.Arg421Ter)

Gene: SP110 (SP110 nuclear body protein; minus strand). Cytogenetic location: 2q37.1.
Variant type: single nucleotide variant.
Coding change: c.1261C>T on transcript NM_080424.4 (MANE Select); coding-DNA position 1261, C replaced by T.
Protein change: p.Arg421Ter; replaces arginine 421 with a stop codon.
Molecular consequence: nonsense.
Genome position (GRCh38, 1-based): chr2:230,186,012, G>A on the plus strand (C>T on the coding strand, the complement: SP110 is on the minus strand). VCF-style: chr2-230186012-G-A. GRCh37 (hg19) VCF-style: chr2-231050728-G-A.
Other names: c.1279C>T, p.Arg427Ter (NM_001185015.2, NM_001378442.1, NM_001378444.1 and 2 more transcripts); c.1261C>T, p.Arg421Ter (NM_001378443.1, NM_004509.5, NM_004510.4); c.1111C>T, p.Arg371Ter (NM_001378447.1); short protein forms R421*, R427*, R371*.
Identifiers: ClinVar variation 817546 (VCV000817546.8), dbSNP rs927135298, ClinGen allele CA66741496.
Genomic context (GRCh38, chr2:230,186,012, plus strand): 5'-ACATTGAGCTATTCAAATAGCAGATTCCATCATTAGCCTTACCTTTCAATCTGGACTTTC[G>A]GGCACATTTAGTTCTTGCCTTTTGGACCCTCATCATGACCTCTGAGTTCCAGGTTGAGTC-3'

ClinVar aggregate classification (germline): Pathogenic/Likely pathogenic. Review status: criteria provided, multiple submitters, no conflicts (2 of 4 stars). 2 submissions from 2 submitters: Pathogenic (1); Likely pathogenic (1). Last evaluated 2021-04-16.

Conditions:
Hepatic veno-occlusive disease-immunodeficiency syndrome. Also called: Hepatic Veno-Occlusive Disease with Immunodeficiency. Identifiers: Orphanet 79124, MedGen C1856128, MONDO:0009338, OMIM 235550. Disease mechanism: loss of function.

Allele frequency attached by ClinVar (database versions not stated): TOPMed below 0.00001.
gnomAD v4.1: 5 of 1,613,972 alleles (0.00031%); highest among the groups gnomAD compares: Non-Finnish European, 0.00042%; no homozygotes.

Submissions (2):

Labcorp Genetics (formerly Invitae), Labcorp
Classification: Pathogenic for Hepatic veno-occlusive disease-immunodeficiency syndrome. Last evaluated: 2021-04-16. Review status: criteria provided, single submitter. Criteria: Invitae Variant Classification Sherloc (09022015). Collection method: clinical testing. Allele origin: germline.
Comment: This variant has not been reported in the literature in individuals with SP110-related conditions. ClinVar contains an entry for this variant (Variation ID: 817546). This variant is not present in population databases (ExAC no frequency). For these reasons, this variant has been classified as Pathogenic. This sequence change creates a premature translational stop signal (p.Arg421*) in the SP110 gene. It is expected to result in an absent or disrupted protein product. Loss-of-function variants in SP110 are known to be pathogenic (PMID: 16648851, 22621957).

GeneDx
Classification: Likely pathogenic. Last evaluated: 2020-01-24. Review status: criteria provided, single submitter. Criteria: GeneDx Variant Classification Process June 2021. Collection method: clinical testing. Allele origin: germline. Affected: yes.
Comment: Nonsense variant predicted to result in protein truncation or nonsense mediated decay in a gene for which loss-of-function is a known mechanism of disease; Not observed in large population cohorts (Lek et al., 2016); Has not been previously published as pathogenic or benign to our knowledge

Literature cited by the submitters: PubMed 16648851 (cited by Labcorp Genetics (formerly Invitae), Labcorp); PubMed 22621957 (cited by Labcorp Genetics (formerly Invitae), Labcorp).